The following is an entry in ClinVar:

NM_012186.3(FOXE3):c.167C>A (p.Ala56Glu)

Genes: LINC01389 (long intergenic non-protein coding RNA 1389; minus strand), FOXE3 (forkhead box E3; plus strand). Cytogenetic location: 1p33.
Variant type: single nucleotide variant.
Coding change: c.167C>A on transcript NM_012186.3 (MANE Select); coding-DNA position 167, C replaced by A.
Protein change: p.Ala56Glu; replaces alanine 56 with glutamic acid.
Molecular consequence: missense variant.
Genome position (GRCh38, 1-based): chr1:47,416,482, C>A. VCF-style: chr1-47416482-C-A. GRCh37 (hg19) VCF-style: chr1-47882154-C-A.
Other names: short protein forms A56E.
Identifiers: ClinVar variation 2448359 (VCV002448359.2), dbSNP rs2124041820, ClinGen allele CA340249167.
Genomic context (GRCh38, chr1:47,416,482, plus strand): 5'-AGCCAGGGCGGGAGCCAGAGGAGGCGGCGGCTGGCCGCGGAGAGGCGGCCCCCACGCCCG[C>A]GCCCGGCCCGGGGCGGCGGCGGCGGCGGCCCCTGCAGCGCGGGAAGCCGCCCTACTCGTA-3'
Protein context (NP_036318.1, residues 46-66): AGRGEAAPTP[Ala56Glu]PGPGRRRRRP

ClinVar aggregate classification (germline): Uncertain significance (1 of 4 stars; one submission).

Conditions:
Cardiovascular phenotype. Identifiers: MedGen CN230736.

Submission:

Ambry Genetics
Classification: Uncertain significance for Cardiovascular phenotype. Last evaluated: 2022-11-27. Review status: criteria provided, single submitter. Criteria: Ambry Variant Classification Scheme 2023. Collection method: clinical testing. Allele origin: germline.
Comment: The p.A56E variant (also known as c.167C>A), located in coding exon 1 of the FOXE3 gene, results from a C to A substitution at nucleotide position 167. The alanine at codon 56 is replaced by glutamic acid, an amino acid with dissimilar properties. This amino acid position is conserved. In addition, this alteration is predicted to be tolerated by in silico analysis. Since supporting evidence is limited at this time, the clinical significance of this alteration remains unclear.